The following is an entry in ClinVar:

ClinVar aggregate classification (germline): Benign/Likely benign. Review status: criteria provided, multiple submitters, no conflicts (2 of 4 stars). 5 submissions from 5 submitters: Benign (4); Likely benign (1). Last evaluated 2026-01-24.

Conditions:
Bilateral frontoparietal polymicrogyria. Also called: CEREBELLAR ATAXIA WITH NEURONAL MIGRATION DEFECT; CORTICAL DYSPLASIA, COMPLEX, WITH OTHER BRAIN MALFORMATIONS 14A (BILATERAL FRONTOPARIETAL). Identifiers: Orphanet 101070, MedGen C1847352, MONDO:0011738, OMIM 606854.

Allele frequency attached by ClinVar (database versions not stated): gnomAD 0.00034 and 0.00045; TOPMed 0.00045; gnomAD exomes 0.00088 and 0.00020; ExAC 0.00092; 1000 Genomes Project 30x 0.00187; 1000 Genomes Project 0.00200.

Submissions (5):

Labcorp Genetics (formerly Invitae), Labcorp
Classification: Benign. Last evaluated: 2026-01-24. Review status: criteria provided, single submitter. Criteria: Invitae Variant Classification Sherloc (09022015). Collection method: clinical testing. Allele origin: germline.

Blueprint Genetics
Classification: Likely benign. Last evaluated: 2024-05-22. Review status: criteria provided, single submitter. Criteria: ACMG Guidelines, 2015. Collection method: clinical testing. Allele origin: germline.

Illumina Laboratory Services, Illumina
Classification: Benign for Bilateral frontoparietal polymicrogyria. Last evaluated: 2018-01-13. Review status: criteria provided, single submitter. Criteria: ICSL Variant Classification Criteria 13 December 2019. Collection method: clinical testing. Allele origin: germline.
Comment: This variant was observed in the ICSL laboratory as part of a predisposition screen in an ostensibly healthy population. It had not been previously curated by ICSL or reported in the Human Gene Mutation Database (HGMD: prior to June 1st, 2018), and was therefore a candidate for classification through an automated scoring system. Utilizing variant allele frequency, disease prevalence and penetrance estimates, and inheritance mode, an automated score was calculated to assess if this variant is too frequent to cause the disease. Based on the score and internal cut-off values, a variant classified as benign is not then subjected to further curation. The score for this variant resulted in a classification of benign for this disease.

Eurofins Ntd Llc (ga)
Classification: Benign. Last evaluated: 2015-08-06. Review status: criteria provided, single submitter. Criteria: EGL Classification Definitions 2015. Collection method: clinical testing. Allele origin: germline. Observed: 1 variant allele, 1 heterozygote.

PreventionGenetics, part of Exact Sciences
Classification: Benign. Review status: criteria provided, single submitter. Criteria: ACMG Guidelines, 2015. Collection method: clinical testing. Allele origin: germline.

NM_201525.4(ADGRG1):c.132C>T (p.Ser44=)

Gene: ADGRG1 (adhesion G protein-coupled receptor G1; plus strand). Cytogenetic location: 16q21.
Variant type: single nucleotide variant.
Coding change: c.132C>T on transcript NM_201525.4 (MANE Select); coding-DNA position 132, C replaced by T.
Protein change: p.Ser44=; no amino-acid change (serine 44 retained).
Molecular consequence: synonymous variant. On other transcripts: 5 prime UTR variant (5), intron variant (2).
Genome position (GRCh38, 1-based): chr16:57,651,267, C>T. VCF-style: chr16-57651267-C-T. GRCh37 (hg19) VCF-style: chr16-57685179-C-T.
Other names: c.132C>T, p.Ser44= (NM_001145770.3, NM_001145771.3, NM_001145772.3 and 16 more transcripts); c.147C>T, p.Ser49= (NM_001145773.3, NM_001370433.1); c.-394C>T (NM_001290143.2, NM_001290144.2, NM_001370451.1 and 2 more transcripts); c.110+22C>T (NM_001290142.2); c.65-89C>T (NM_001370442.1).
Identifiers: ClinVar variation 259867 (VCV000259867.21), dbSNP rs12599906, ClinGen allele CA8078294.